The following is an entry in ClinVar:

NM_030665.4(RAI1):c.5697T>C (p.Cys1899=)

Gene: RAI1 (retinoic acid induced 1; plus strand). Cytogenetic location: 17p11.2.
Variant type: single nucleotide variant.
Coding change: c.5697T>C on transcript NM_030665.4 (MANE Select); coding-DNA position 5697, T replaced by C.
Protein change: p.Cys1899=; no amino-acid change (cysteine 1899 retained).
Molecular consequence: synonymous variant.
Genome position (GRCh38, 1-based): chr17:17,809,427, T>C. VCF-style: chr17-17809427-T-C. GRCh37 (hg19) VCF-style: chr17-17712741-T-C.
Other names: c.5697T>C (NM_030665.3).
Identifiers: ClinVar variation 1595932 (VCV001595932.9), dbSNP rs757542447, ClinGen allele CA8419287.

ClinVar aggregate classification (germline): Likely benign. Review status: criteria provided, multiple submitters, no conflicts (2 of 4 stars). 2 submissions from 2 submitters: Likely benign (2). Last evaluated 2025-08-25.

Conditions:
RAI1-related disorder. Also called: RAI1-related condition.

Allele frequency attached by ClinVar (database versions not stated): ExAC 0.00002; gnomAD exomes 0.00002 and 0.00003; gnomAD 0.00003; TOPMed 0.00003.
gnomAD v4.1: 42 of 1,604,926 alleles (0.0026%); highest among the groups gnomAD compares: Non-Finnish European, 0.0034%; no homozygotes.

Submissions (2):

PreventionGenetics, part of Exact Sciences
Classification: Likely benign for RAI1-related condition. Last evaluated: 2025-08-25. Review status: criteria provided, single submitter. Criteria: ACMG Guidelines, 2015. Collection method: clinical testing. Allele origin: germline.
Comment: This variant is classified as likely benign based on ACMG/AMP sequence variant interpretation guidelines (Richards et al. 2015 PMID: 25741868, with internal and published modifications).

Labcorp Genetics (formerly Invitae), Labcorp
Classification: Likely benign. Last evaluated: 2025-07-02. Review status: criteria provided, single submitter. Criteria: Invitae Variant Classification Sherloc (09022015). Collection method: clinical testing. Allele origin: germline.